The following is an entry in ClinVar:

ClinVar aggregate classification (germline): Conflicting classifications of pathogenicity. Review status: criteria provided, conflicting classifications (1 of 4 stars). 5 submissions from 5 submitters: Uncertain significance (3); Likely benign (2). Last evaluated 2026-04-01.

Conditions:
NLRP12-related disorder. Also called: NLRP12-related condition; NLRP12-related conditions.
Familial cold autoinflammatory syndrome 2 (FCAS2). Identifiers: Orphanet 247868, MedGen C2673198, MONDO:0012724, OMIM 611762.

Allele frequency attached by ClinVar (database versions not stated): ExAC 0.00002; gnomAD exomes 0.00002 and 0.00006; TOPMed 0.00002; gnomAD 0.00004.
gnomAD v4.1: 93 of 1,613,104 alleles (0.0058%); highest among the groups gnomAD compares: Middle Eastern, 0.017%; no homozygotes.

Submissions (5):

CeGaT Center for Human Genetics Tuebingen
Classification: Likely benign. Last evaluated: 2026-04-01. Review status: criteria provided, single submitter. Criteria: CeGaT Center For Human Genetics Tuebingen Variant Classification Criteria Version 2. Collection method: clinical testing. Allele origin: germline. Affected: yes. Observed: 4 variant alleles.
Comment: NLRP12: BP4

Labcorp Genetics (formerly Invitae), Labcorp
Classification: Uncertain significance for Familial cold autoinflammatory syndrome 2. Last evaluated: 2025-11-04. Review status: criteria provided, single submitter. Criteria: Invitae Variant Classification Sherloc (09022015). Collection method: clinical testing. Allele origin: germline.
Comment: This sequence change replaces alanine, which is neutral and non-polar, with threonine, which is neutral and polar, at codon 682 of the NLRP12 protein (p.Ala682Thr). This variant is present in population databases (rs778688033, gnomAD 0.004%). This missense change has been observed in individual(s) with clinical features of familial cold autoinflammatory syndrome (PMID: 38343435). ClinVar contains an entry for this variant (Variation ID: 330028). An algorithm developed to predict the effect of missense changes on protein structure and function (PolyPhen-2) suggests that this variant is likely to be tolerated. In summary, the available evidence is currently insufficient to determine the role of this variant in disease. Therefore, it has been classified as a Variant of Uncertain Significance.

PreventionGenetics, part of Exact Sciences
Classification: Uncertain significance for NLRP12-related condition. Last evaluated: 2025-03-21. Review status: criteria provided, single submitter. Criteria: ACMG Guidelines, 2015. Collection method: clinical testing. Allele origin: germline.
Comment: The NLRP12 c.2044G>A variant is predicted to result in the amino acid substitution p.Ala682Thr. This variant has been reported in the heterozygous state and with another variant in NLRP12 (F402L+A682T) in individuals with autoinflammatory disease (Yun et al. 2023. PubMed ID: 38343435). This variant is reported in 0.0039% of alleles in individuals of European (Non-Finnish) descent in gnomAD. At this time, the clinical significance of this variant is uncertain due to the absence of conclusive functional and genetic evidence.

Blueprint Genetics
Classification: Likely benign. Last evaluated: 2022-12-23. Review status: criteria provided, single submitter. Criteria: ACMG Guidelines, 2015. Collection method: clinical testing. Allele origin: germline.

Illumina Laboratory Services, Illumina
Classification: Uncertain significance for Familial cold autoinflammatory syndrome 2. Last evaluated: 2018-01-13. Review status: criteria provided, single submitter. Criteria: ICSL Variant Classification Criteria 13 December 2019. Collection method: clinical testing. Allele origin: germline.

Literature cited by the submitters: PubMed 38343435 (cited by Labcorp Genetics (formerly Invitae), Labcorp).

NM_144687.4(NLRP12):c.2044G>A (p.Ala682Thr)

Gene: NLRP12 (NLR family pyrin domain containing 12; minus strand). Cytogenetic location: 19q13.42.
Variant type: single nucleotide variant.
Coding change: c.2044G>A on transcript NM_144687.4 (MANE Select); coding-DNA position 2044, G replaced by A.
Protein change: p.Ala682Thr; replaces alanine 682 with threonine.
Molecular consequence: missense variant.
Genome position (GRCh38, 1-based): chr19:53,809,615, C>T on the plus strand (G>A on the coding strand, the complement: NLRP12 is on the minus strand). VCF-style: chr19-53809615-C-T. GRCh37 (hg19) VCF-style: chr19-54312869-C-T.
Other names: c.2044G>A, p.Ala682Thr (NM_001277126.2, NM_001277129.1); short protein forms A682T.
Identifiers: ClinVar variation 330028 (VCV000330028.54), dbSNP rs778688033, ClinGen allele CA9639283.